The following is an entry in ClinVar:

NM_001348800.3(ZBTB20):c.1768A>G (p.Lys590Glu)

Gene: ZBTB20 (zinc finger and BTB domain containing 20; minus strand). Cytogenetic location: 3q13.31.
Variant type: single nucleotide variant.
Coding change: c.1768A>G on transcript NM_001348800.3 (MANE Select); coding-DNA position 1768, A replaced by G.
Protein change: p.Lys590Glu; replaces lysine 590 with glutamic acid.
Molecular consequence: missense variant.
Genome position (GRCh38, 1-based): chr3:114,350,310, T>C on the plus strand (A>G on the coding strand, the complement: ZBTB20 is on the minus strand). VCF-style: chr3-114350310-T-C. GRCh37 (hg19) VCF-style: chr3-114069157-T-C.
Other names: c.1768A>G, p.Lys590Glu (NM_001164342.2, NM_001348803.3, NM_001393393.1 and 1 more transcripts); c.1549A>G, p.Lys517Glu (NM_001164343.2, NM_001164344.4, NM_001164345.4 and 9 more transcripts); short protein forms K590E, K517E.
Identifiers: ClinVar variation 3472130 (VCV003472130.1).

ClinVar aggregate classification (germline): Likely pathogenic (1 of 4 stars; one submission).

Conditions:
Inborn genetic diseases. Identifiers: MedGen C0950123, MeSH D030342.

Submission:

Ambry Genetics
Classification: Likely pathogenic for Inborn genetic diseases. Last evaluated: 2024-11-22. Review status: criteria provided, single submitter. Criteria: Ambry Variant Classification Scheme 2023. Collection method: clinical testing. Allele origin: germline.
Comment: The c.1768A>G (p.K590E) alteration is located in exon 4 (coding exon 3) of the ZBTB20 gene. This alteration results from an A to G substitution at nucleotide position 1768, causing the lysine (K) at amino acid position 590 to be replaced by a glutamic acid (E). This variant was not reported in population-based cohorts in the Genome Aggregation Database (gnomAD). Another alteration at the same codon, c.1768A>C (p.K590Q), has been detected de novo in one individual with increased weight, intellectual disability, macrocephaly, characteristic facial features, calcified pinnae, hearing loss, hypotonia, joint contractures, sparse body hair, cryptorchidism, and intracerebral calcifications (Cordeddu, 2014). This amino acid position is highly conserved in available vertebrate species. This missense alteration is located in a region that has a low rate of benign missense variation (Lek, 2016; Firth, 2009). This alteration is predicted to be deleterious by in silico analysis. Based on the available evidence, this alteration is classified as likely pathogenic.

Literature cited by the submitters: PubMed 25017102.